The following is an entry in ClinVar:

ClinVar aggregate classification (germline): Pathogenic/Likely pathogenic. Review status: criteria provided, multiple submitters, no conflicts (2 of 4 stars). 6 submissions from 6 submitters: Pathogenic (1); Likely pathogenic (5). Last evaluated 2026-09-09.

Conditions:
Hereditary nonpolyposis colorectal neoplasms. Identifiers: MedGen C0009405, MeSH D003123.
Hereditary cancer-predisposing syndrome. Also called: Hereditary Cancer Syndrome; Hereditary neoplastic syndrome; Neoplastic Syndromes, Hereditary; Tumor predisposition. Identifiers: Orphanet 140162, MedGen C0027672, MeSH D009386, MONDO:0015356.
Inherited MMR deficiency (Lynch syndrome).
Lynch syndrome 4 (LYNCH4). Also called: Colorectal cancer, hereditary nonpolyposis, type 4; Hereditary non-polyposis colorectal cancer, type 4. Identifiers: Orphanet 144, MedGen C1838333, MONDO:0013699, OMIM 614337. Disease mechanism: loss of function.

Allele frequency attached by ClinVar (database versions not stated): gnomAD exomes below 0.00001 and 0.00001.
gnomAD v4.1: 11 of 1,607,822 alleles (0.00068%); highest among the groups gnomAD compares: Admixed American, 0.0017%; no homozygotes.

Submissions (6):

Genetics Laboratory, Great Ormond Street Hospital NHS Foundation Trust, North Thames Genomic Laboratory Hub
Classification: Pathogenic for Inherited MMR deficiency (Lynch syndrome). Last evaluated: 2026-09-09. Review status: criteria provided, single submitter. Criteria: CanVIG MMR Gene Specific V1.7. Collection method: clinical testing. Allele origin: germline. Affected: yes.
Comment: PM2_supporting, PVS1_very-strong, PP4_strong

Ambry Genetics
Classification: Likely pathogenic for Hereditary cancer-predisposing syndrome. Last evaluated: 2025-06-09. Review status: criteria provided, single submitter. Criteria: Ambry Variant Classification Scheme 2023. Collection method: clinical testing. Allele origin: germline.
Comment: The c.903+2T>C intronic variant results from a T to C substitution two nucleotides after coding exon 8 in the PMS2 gene. This variant has been identified in probands whose Lynch syndrome-associated tumor demonstrated high microsatellite instability and/or loss of PMS2 expression by immunohistochemistry (external laboratory communication). This nucleotide position is highly conserved in available vertebrate species. In silico splice site analysis predicts that this alteration will weaken the native splice donor site; however, direct evidence is insufficient at this time (Ambry internal data). Alterations that disrupt the canonical splice site are expected to cause aberrant splicing, resulting in an abnormal protein or a transcript that is subject to nonsense-mediated mRNA decay. As such, this alteration is classified as likely pathogenic.

GeneDx
Classification: Likely pathogenic. Last evaluated: 2024-07-11. Review status: criteria provided, single submitter. Criteria: GeneDx Variant Classification Process June 2021. Collection method: clinical testing. Allele origin: germline. Affected: yes.
Comment: Canonical splice site variant predicted to result in a null allele in a gene for which loss of function is a known mechanism of disease; Not observed at significant frequency in large population cohorts (gnomAD); Observed in an individual with congenital heart disease undergoing whole exome sequencing (PMID: 30217213); This variant is associated with the following publications: (PMID: 30217213)

Labcorp Genetics (formerly Invitae), Labcorp
Classification: Likely pathogenic for Hereditary nonpolyposis colorectal neoplasms. Last evaluated: 2024-05-23. Review status: criteria provided, single submitter. Criteria: Invitae Variant Classification Sherloc (09022015). Collection method: clinical testing. Allele origin: germline.
Comment: This sequence change affects a donor splice site in intron 8 of the PMS2 gene. RNA analysis indicates that disruption of this splice site induces altered splicing and may result in an absent or disrupted protein product. This variant is present in population databases (no rsID available, gnomAD 0.003%). Disruption of this splice site has been observed in individual(s) with clinical features of Lynch syndrome (Invitae). ClinVar contains an entry for this variant (Variation ID: 237930). Studies have shown that disruption of this splice site results in skipping of exon 8 and introduces a premature termination codon (Invitae). The resulting mRNA is expected to undergo nonsense-mediated decay. In summary, the currently available evidence indicates that the variant is pathogenic, but additional data are needed to prove that conclusively. Therefore, this variant has been classified as Likely Pathogenic.

Department of Pathology and Laboratory Medicine, Sinai Health System
Classification: Likely pathogenic for Lynch syndrome 4. Last evaluated: 2023-11-15. Review status: criteria provided, single submitter. Criteria: ACMG Guidelines, 2015. Collection method: clinical testing. Allele origin: germline. Affected: yes.

Myriad Genetics, Inc.
Classification: Likely pathogenic for Lynch syndrome 4. Last evaluated: 2023-09-19. Review status: criteria provided, single submitter. Criteria: Myriad Autosomal Dominant, Autosomal Recessive and X-Linked Classification Criteria (2023). Collection method: clinical testing. Allele origin: unknown.
Comment: This variant is considered likely pathogenic. This variant occurs within a consensus splice junction and is predicted to result in abnormal mRNA splicing of either an out-of-frame exon or an in-frame exon necessary for protein stability and/or normal function.

NM_000535.7(PMS2):c.903+2T>C

Gene: PMS2 (PMS1 homolog 2, mismatch repair system component; minus strand). Cytogenetic location: 7p22.1.
Variant type: single nucleotide variant.
Coding change: c.903+2T>C on transcript NM_000535.7 (MANE Select); the canonical splice donor site of the intron after coding-DNA position 903, T replaced by C.
Molecular consequence: splice donor variant. On other transcripts: intron variant (4).
Genome position (GRCh38, 1-based): chr7:5,995,532, A>G on the plus strand (T>C on the coding strand, the complement: PMS2 is on the minus strand). VCF-style: chr7-5995532-A-G. GRCh37 (hg19) VCF-style: chr7-6035163-A-G.
Other names: c.498+2T>C (NM_001322003.2, NM_001406887.1, NM_001406896.1 and 19 more transcripts); c.594+2T>C (NM_001322015.2, NM_001406900.1, NM_001406880.1 and 6 more transcripts); c.567+2T>C (NM_001406885.1); c.585+2T>C (NM_001406901.1, NM_001406903.1, NM_001322007.2 and 4 more transcripts); c.330+2T>C (NM_001406909.1, NM_001322013.2); c.538-3475T>C (NM_001406886.1); c.735+2T>C (NM_001406884.1, NM_001406874.1); c.-31+2T>C (NM_001322011.2, NM_001322012.2); and 8 more.
Identifiers: ClinVar variation 237930 (VCV000237930.18), dbSNP rs878854059, ClinGen allele CA10582518.